The following is an entry in ClinVar:

NM_003998.4(NFKB1):c.1125del (p.Phe375fs)

Gene: NFKB1 (nuclear factor kappa B subunit 1; plus strand). Cytogenetic location: 4q24.
Variant type: Deletion.
Coding change: c.1125del on transcript NM_003998.4 (MANE Select); coding-DNA position 1125, one base deleted (C; older notation c.1125delC).
Protein change: p.Phe375fs; shifts the reading frame from phenylalanine 375.
Molecular consequence: frameshift variant.
Genome position (GRCh38, 1-based): chr4:102,593,483, C deleted. VCF-style (leftmost placement, unchanged base first): chr4-102593482-TC-T. GRCh37 (hg19) VCF-style: chr4-103514639-TC-T.
Other names: c.1122del, p.Phe374fs (NM_001165412.2, NM_001319226.2, NM_001382627.1); c.1125del, p.Phe375fs (NM_001382625.1, NM_001382626.1); c.1083del, p.Phe361fs (NM_001382628.1); short protein forms F361fs, F374fs, F375fs.
Identifiers: ClinVar variation 2017111 (VCV002017111.4), dbSNP rs2476487087, ClinGen allele CA2580071561.

ClinVar aggregate classification (germline): Pathogenic (1 of 4 stars; one submission).

Submission:

Labcorp Genetics (formerly Invitae), Labcorp
Classification: Pathogenic. Last evaluated: 2022-07-14. Review status: criteria provided, single submitter. Criteria: Invitae Variant Classification Sherloc (09022015). Collection method: clinical testing. Allele origin: germline.
Comment: This premature translational stop signal has been observed in individual(s) with common variable immunodeficiency (Invitae). For these reasons, this variant has been classified as Pathogenic. This variant is not present in population databases (gnomAD no frequency). This sequence change creates a premature translational stop signal (p.Phe375Leufs*57) in the NFKB1 gene. It is expected to result in an absent or disrupted protein product. Loss-of-function variants in NFKB1 are known to be pathogenic (PMID: 26279205, 29477724).

Literature cited by the submitters: PubMed 26279205; PubMed 29477724.